The following is an entry in ClinVar:

NM_017721.5(CC2D1A):c.2225+1G>A

Gene: CC2D1A (coiled-coil and C2 domain containing 1A; plus strand). Cytogenetic location: 19p13.12.
Variant type: single nucleotide variant.
Coding change: c.2225+1G>A on transcript NM_017721.5 (MANE Select); the canonical splice donor site of the intron after coding-DNA position 2225, G replaced by A.
Molecular consequence: splice donor variant.
Genome position (GRCh38, 1-based): chr19:13,927,078, G>A. VCF-style: chr19-13927078-G-A. GRCh37 (hg19) VCF-style: chr19-14037891-G-A.
Other names: c.2225+1G>A (NM_001411138.1).
Identifiers: ClinVar variation 2865268 (VCV002865268.4), dbSNP rs780264058, ClinGen allele CA305630275.

ClinVar aggregate classification (germline): Likely pathogenic. Review status: criteria provided, multiple submitters, no conflicts (2 of 4 stars). 2 submissions from 2 submitters: Likely pathogenic (2). Last evaluated 2025-06-20.

Conditions:
Intellectual developmental disorder, autosomal recessive 3. Also called: Intellectual disability, autosomal recessive 3. Identifiers: Orphanet 88616, MedGen C1838023, MONDO:0012037, OMIM 608443.

Allele frequency attached by ClinVar (database versions not stated): gnomAD exomes below 0.00001.
gnomAD v4.1: 5 of 1,613,976 alleles (0.00031%); highest among the groups gnomAD compares: Non-Finnish European, 0.00042%; no homozygotes.

Submissions (2):

First Genomix Gene Laboratory, Genetic Diagnostics Department
Classification: Likely pathogenic for Intellectual developmental disorder, autosomal recessive 3. Last evaluated: 2025-06-20. Review status: criteria provided, single submitter. Criteria: ACMG Guidelines, 2015. Collection method: clinical testing. Allele origin: germline. Inheritance: Autosomal recessive inheritance. Affected: no. Observed: 1 variant allele.

Labcorp Genetics (formerly Invitae), Labcorp
Classification: Likely pathogenic. Last evaluated: 2023-05-17. Review status: criteria provided, single submitter. Criteria: Invitae Variant Classification Sherloc (09022015). Collection method: clinical testing. Allele origin: germline.
Comment: In summary, the currently available evidence indicates that the variant is pathogenic, but additional data are needed to prove that conclusively. Therefore, this variant has been classified as Likely Pathogenic. This variant has not been reported in the literature in individuals affected with CC2D1A-related conditions. This variant is not present in population databases (gnomAD no frequency). This sequence change affects a donor splice site in intron 21 of the CC2D1A gene. It is expected to disrupt RNA splicing. Variants that disrupt the donor or acceptor splice site typically lead to a loss of protein function (PMID: 16199547), and loss-of-function variants in CC2D1A are known to be pathogenic (PMID: 16033914).

Literature cited by the submitters: PubMed 16199547 (cited by Labcorp Genetics (formerly Invitae), Labcorp); PubMed 16033914 (cited by Labcorp Genetics (formerly Invitae), Labcorp).